The following is an entry in ClinVar:

NM_001376.5(DYNC1H1):c.7263G>A (p.Thr2421=)

Gene: DYNC1H1 (dynein cytoplasmic 1 heavy chain 1; plus strand). Cytogenetic location: 14q32.31.
Variant type: single nucleotide variant.
Coding change: c.7263G>A on transcript NM_001376.5 (MANE Select); coding-DNA position 7263, G replaced by A.
Protein change: p.Thr2421=; no amino-acid change (threonine 2421 retained).
Molecular consequence: synonymous variant.
Genome position (GRCh38, 1-based): chr14:102,015,876, G>A. VCF-style: chr14-102015876-G-A. GRCh37 (hg19) VCF-style: chr14-102482213-G-A.
Identifiers: ClinVar variation 682498 (VCV000682498.16), dbSNP rs201651726, ClinGen allele CA7352784.

ClinVar aggregate classification (germline): Likely benign. Review status: criteria provided, multiple submitters, no conflicts (2 of 4 stars). 5 submissions from 5 submitters: Likely benign (5). Last evaluated 2025-08-11.

Conditions:
DYNC1H1-related disorder. Also called: DYNC1H1-related condition; DYNC1H1-related disorders. Identifiers: MedGen CN381529.
Inborn genetic diseases. Identifiers: MedGen C0950123, MeSH D030342.
Charcot-Marie-Tooth disease axonal type 2O. Also called: CHARCOT-MARIE-TOOTH NEUROPATHY, AXONAL, TYPE 2O; CHARCOT-MARIE-TOOTH DISEASE, AXONAL, AUTOSOMAL DOMINANT, TYPE 2O; Charcot-Marie-Tooth Neuropathy Type 2O; Charcot-Marie-Tooth disease, axonal, type 20. Identifiers: Orphanet 284232, MedGen C3280220, MONDO:0013644, OMIM 614228.

Allele frequency attached by ClinVar (database versions not stated): ExAC 0.00002; gnomAD exomes 0.00002 and 0.00003; gnomAD 0.00011; TOPMed 0.00011; 1000 Genomes Project 30x 0.00031; 1000 Genomes Project 0.00040.
gnomAD v4.1: 51 of 1,614,190 alleles (0.0032%); highest among the groups gnomAD compares: African/African-American, 0.037%; no homozygotes.

Submissions (5):

Labcorp Genetics (formerly Invitae), Labcorp
Classification: Likely benign for Charcot-Marie-Tooth disease axonal type 2O. Last evaluated: 2025-08-11. Review status: criteria provided, single submitter. Criteria: Invitae Variant Classification Sherloc (09022015). Collection method: clinical testing. Allele origin: germline.

PreventionGenetics, part of Exact Sciences
Classification: Likely benign for DYNC1H1-related condition. Last evaluated: 2025-05-29. Review status: criteria provided, single submitter. Criteria: ACMG Guidelines, 2015. Collection method: clinical testing. Allele origin: germline.
Comment: This variant is classified as likely benign based on ACMG/AMP sequence variant interpretation guidelines (Richards et al. 2015 PMID: 25741868, with internal and published modifications).

Blueprint Genetics
Classification: Likely benign. Last evaluated: 2024-03-03. Review status: criteria provided, single submitter. Criteria: ACMG Guidelines, 2015. Collection method: clinical testing. Allele origin: germline.

GeneDx
Classification: Likely benign. Last evaluated: 2021-03-04. Review status: criteria provided, single submitter. Criteria: GeneDx Variant Classification Process June 2021. Collection method: clinical testing. Allele origin: germline. Affected: yes.

Ambry Genetics
Classification: Likely benign for Inborn genetic diseases. Last evaluated: 2019-10-07. Review status: criteria provided, single submitter. Criteria: Ambry Variant Classification Scheme 2023. Collection method: clinical testing. Allele origin: germline.